The following is an entry in ClinVar:

ClinVar aggregate classification (germline): Uncertain significance. Review status: criteria provided, multiple submitters, no conflicts (2 of 4 stars). 2 submissions from 2 submitters: Uncertain significance (2). Last evaluated 2023-01-18.

Conditions:
Hereditary cancer-predisposing syndrome. Also called: Neoplastic Syndromes, Hereditary; Tumor predisposition; Hereditary Cancer Syndrome; Hereditary neoplastic syndrome. Identifiers: Orphanet 140162, MedGen C0027672, MeSH D009386, MONDO:0015356.
Ataxia-telangiectasia-like disorder (ATLD). Identifiers: MedGen C1858391, MONDO:0011457.

gnomAD v4.1: 1 of 1,613,676 alleles (0.000062%); highest among the groups gnomAD compares: Admixed American, 0.0017%; no homozygotes.

Submissions (2):

Ambry Genetics
Classification: Uncertain significance for Hereditary cancer-predisposing syndrome. Last evaluated: 2023-01-18. Review status: criteria provided, single submitter. Criteria: Ambry Variant Classification Scheme 2023. Collection method: clinical testing. Allele origin: germline.
Comment: The p.S681W variant (also known as c.2042C>G), located in coding exon 18 of the MRE11A gene, results from a C to G substitution at nucleotide position 2042. The serine at codon 681 is replaced by tryptophan, an amino acid with highly dissimilar properties. This amino acid position is poorly conserved in available vertebrate species. In addition, this alteration is predicted to be tolerated by in silico analysis. Since supporting evidence is limited at this time, the clinical significance of this alteration remains unclear.

Labcorp Genetics (formerly Invitae), Labcorp
Classification: Uncertain significance for Ataxia-telangiectasia-like disorder. Last evaluated: 2022-07-17. Review status: criteria provided, single submitter. Criteria: Invitae Variant Classification Sherloc (09022015). Collection method: clinical testing. Allele origin: germline.
Comment: This sequence change replaces serine, which is neutral and polar, with tryptophan, which is neutral and slightly polar, at codon 681 of the MRE11 protein (p.Ser681Trp). This variant is present in population databases (no rsID available, gnomAD 0.003%). This variant has not been reported in the literature in individuals affected with MRE11-related conditions. ClinVar contains an entry for this variant (Variation ID: 481751). Algorithms developed to predict the effect of missense changes on protein structure and function are either unavailable or do not agree on the potential impact of this missense change (SIFT: "Deleterious"; PolyPhen-2: "Possibly Damaging"; Align-GVGD: "Class C0"). Algorithms developed to predict the effect of sequence changes on RNA splicing suggest that this variant may create or strengthen a splice site. In summary, the available evidence is currently insufficient to determine the role of this variant in disease. Therefore, it has been classified as a Variant of Uncertain Significance.

NM_005591.4(MRE11):c.2042C>G (p.Ser681Trp)

Gene: MRE11 (MRE11 double strand break repair nuclease; minus strand). Cytogenetic location: 11q21.
Variant type: single nucleotide variant.
Coding change: c.2042C>G on transcript NM_005591.4 (MANE Select); coding-DNA position 2042, C replaced by G.
Protein change: p.Ser681Trp; replaces serine 681 with tryptophan.
Molecular consequence: missense variant.
Genome position (GRCh38, 1-based): chr11:94,429,939, G>C on the plus strand (C>G on the coding strand, the complement: MRE11 is on the minus strand). VCF-style: chr11-94429939-G-C. GRCh37 (hg19) VCF-style: chr11-94163105-G-C.
Other names: c.2039C>G, p.Ser680Trp (NM_001330347.2); c.1958C>G, p.Ser653Trp (NM_005590.4); short protein forms S681W, S653W, S680W.
Identifiers: ClinVar variation 481751 (VCV000481751.12), dbSNP rs587782166, ClinGen allele CA382373483.